The following is an entry in ClinVar:

NM_000051.4(ATM):c.377A>C (p.Asp126Ala)

Gene: ATM (ATM serine/threonine kinase; plus strand). Cytogenetic location: 11q22.3.
Variant type: single nucleotide variant.
Coding change: c.377A>C on transcript NM_000051.4 (MANE Select); coding-DNA position 377, A replaced by C.
Protein change: p.Asp126Ala; replaces aspartic acid 126 with alanine.
Molecular consequence: missense variant.
Genome position (GRCh38, 1-based): chr11:108,235,715, A>C. VCF-style: chr11-108235715-A-C. GRCh37 (hg19) VCF-style: chr11-108106442-A-C.
Other names: c.377A>C, p.Asp126Ala (NM_001351834.2); short protein forms D126A.
Identifiers: ClinVar variation 2089735 (VCV002089735.4), dbSNP rs1591474742, ClinGen allele CA382524792.

ClinVar aggregate classification (germline): Uncertain significance (1 of 4 stars; one submission).

Conditions:
Ataxia-telangiectasia syndrome (AT). Also called: Ataxia-telangiectasia, complementation group D; AT, COMPLEMENTATION GROUP C; ATAXIA-TELANGIECTASIA, COMPLEMENTATION GROUP A; ATAXIA-TELANGIECTASIA, FRESNO VARIANT; Ataxia telangiectasia (A-T); Ataxia-telangiectasia. Identifiers: Orphanet 100, MedGen C0004135, MONDO:0008840, OMIM 208900.

Submission:

Labcorp Genetics (formerly Invitae), Labcorp
Classification: Uncertain significance for Ataxia-telangiectasia syndrome. Last evaluated: 2022-09-22. Review status: criteria provided, single submitter. Criteria: Invitae Variant Classification Sherloc (09022015). Collection method: clinical testing. Allele origin: germline.
Comment: In summary, the available evidence is currently insufficient to determine the role of this variant in disease. Therefore, it has been classified as a Variant of Uncertain Significance. Algorithms developed to predict the effect of missense changes on protein structure and function (SIFT, PolyPhen-2, Align-GVGD) all suggest that this variant is likely to be tolerated. This variant has not been reported in the literature in individuals affected with ATM-related conditions. This variant is not present in population databases (gnomAD no frequency). This sequence change replaces aspartic acid, which is acidic and polar, with alanine, which is neutral and non-polar, at codon 126 of the ATM protein (p.Asp126Ala).